The following is an entry in ClinVar:

ClinVar aggregate classification (germline): Uncertain significance (1 of 4 stars; one submission).

Submission:

Labcorp Genetics (formerly Invitae), Labcorp
Classification: Uncertain significance. Last evaluated: 2024-12-19. Review status: criteria provided, single submitter. Criteria: Invitae Variant Classification Sherloc (09022015). Collection method: clinical testing. Allele origin: germline.
Comment: This sequence change replaces glutamic acid, which is acidic and polar, with lysine, which is basic and polar, at codon 129 of the SLC25A32 protein (p.Glu129Lys). This variant is not present in population databases (gnomAD no frequency). This variant has not been reported in the literature in individuals affected with SLC25A32-related conditions. Invitae Evidence Modeling of protein sequence and biophysical properties (such as structural, functional, and spatial information, amino acid conservation, physicochemical variation, residue mobility, and thermodynamic stability) indicates that this missense variant is expected to disrupt SLC25A32 protein function with a positive predictive value of 80%. In summary, the available evidence is currently insufficient to determine the role of this variant in disease. Therefore, it has been classified as a Variant of Uncertain Significance.

NM_030780.5(SLC25A32):c.385G>A (p.Glu129Lys)

Gene: SLC25A32 (solute carrier family 25 member 32; minus strand). Cytogenetic location: 8q22.3.
Variant type: single nucleotide variant.
Coding change: c.385G>A on transcript NM_030780.5 (MANE Select); coding-DNA position 385, G replaced by A.
Protein change: p.Glu129Lys; replaces glutamic acid 129 with lysine.
Molecular consequence: missense variant. On other transcripts: non-coding transcript variant (1).
Genome position (GRCh38, 1-based): chr8:103,404,782, C>T on the plus strand (G>A on the coding strand, the complement: SLC25A32 is on the minus strand). VCF-style: chr8-103404782-C-T. GRCh37 (hg19) VCF-style: chr8-104417010-C-T.
Other names: short protein forms E129K.
Identifiers: ClinVar variation 3666074 (VCV003666074.2).
Genomic context (GRCh38, chr8:103,404,782, plus strand): 5'-AACTGAAAATTAAGTTTGGAAGGTGACATTTTTATATTTCACACATTGCCTTACCAGCTT[C>T]AGCAGCTGAGACAAGGTATTCTGTTGCCTCTAAACGTTCAGCTCTTCCTTCTGTTTTATA-3'
Protein context (NP_110407.2, residues 119-139): EATEYLVSAA[Glu129Lys]AGAMTLCITN